The following is an entry in ClinVar:

ClinVar aggregate classification (germline): Uncertain significance (1 of 4 stars; one submission).

Conditions:
POLD1-related polyposis and colorectal cancer syndrome (CRCS10). Also called: Colorectal cancer 10; Colorectal cancer, susceptibility to, 10; COLORECTAL CANCER, SUSCEPTIBILITY TO, ON CHROMOSOME 19q. Identifiers: Orphanet 220460, MedGen C2675481, MONDO:0012953, OMIM 612591.

Submission:

Labcorp Genetics (formerly Invitae), Labcorp
Classification: Uncertain significance for POLD1-related polyposis and colorectal cancer syndrome. Last evaluated: 2023-08-28. Review status: criteria provided, single submitter. Criteria: Invitae Variant Classification Sherloc (09022015). Collection method: clinical testing. Allele origin: germline.
Comment: This variant has not been reported in the literature in individuals affected with POLD1-related conditions. In summary, the available evidence is currently insufficient to determine the role of this variant in disease. Therefore, it has been classified as a Variant of Uncertain Significance. Algorithms developed to predict the effect of sequence changes on RNA splicing suggest that this variant may disrupt the consensus splice site. This variant is not present in population databases (gnomAD no frequency). This sequence change affects an acceptor splice site in intron 10 of the POLD1 gene. Missense variants that disrupt the 3'-5' exonuclease (proof-reading) activity of the POLD1 protein are associated with PPAP (polymerase proofreading–associated polyposis) (PMID: 23263490, 23447401). However, loss-of-function variants that result in an absent or severely disrupted POLD1 protein, and missense variants outside the exonuclease domain, are unlikely to be associated with PPAP.

Literature cited by the submitters: PubMed 23263490; PubMed 23447401.

NM_002691.4(POLD1):c.1243-1G>A

Gene: POLD1 (DNA polymerase delta 1, catalytic subunit; plus strand). Cytogenetic location: 19q13.33.
Variant type: single nucleotide variant.
Coding change: c.1243-1G>A on transcript NM_002691.4 (MANE Select); the canonical splice acceptor site of the intron before coding-DNA position 1243, G replaced by A.
Molecular consequence: splice acceptor variant.
Genome position (GRCh38, 1-based): chr19:50,406,181, G>A. VCF-style: chr19-50406181-G-A. GRCh37 (hg19) VCF-style: chr19-50909438-G-A.
Other names: c.1243-1G>A (NM_001256849.1, NM_001308632.1).
Identifiers: ClinVar variation 2725706 (VCV002725706.3), dbSNP rs2513990624, ClinGen allele CA406979660.
Genomic context (GRCh38, chr19:50,406,181, plus strand): 5'-TTCTTCAGGCTTATGTGACGGGGACCCGCAGCCTGCTGCACACCCTGCCTCTCCTCCTCA[G>A]GTACAAACATTCCCTTTCCTGGGCCGTGTGGCCGGCCTTTGCTCCAACATCCGGGACTCT-3'